The following is an entry in ClinVar:

ClinVar aggregate classification (germline): Conflicting classifications of pathogenicity. Review status: criteria provided, conflicting classifications (1 of 4 stars). 12 submissions from 11 submitters: Uncertain significance (1); Benign (7); Likely benign (2). 2 of the submissions do not count toward it. Last evaluated 2026-02-02.

Conditions:
Glaucoma 1, open angle, E. Identifiers: MedGen C1842026, MONDO:0007665.
Amyotrophic lateral sclerosis type 12 (ALS12). Also called: AMYOTROPHIC LATERAL SCLEROSIS 12 WITH OR WITHOUT FRONTOTEMPORAL DEMENTIA. Identifiers: Orphanet 803, MedGen C3150692, MONDO:0013264, OMIM 613435.
Primary open angle glaucoma (POAG). Also called: OPTN-related open angle glaucoma. Identifiers: MedGen C0339573, MONDO:0100553, OMIM 137760.
OPTN-related disorder. Also called: OPTN-related condition; OPTN-related disorders.

Allele frequency attached by ClinVar (database versions not stated): ESP Exome Variant Server 0.00023; gnomAD 0.00101 and 0.00141; gnomAD exomes 0.00128 and 0.00310; TOPMed 0.00162; ExAC 0.00290; 1000 Genomes Project 30x 0.00718; 1000 Genomes Project 0.00759.

Submissions (12):

Labcorp Genetics (formerly Invitae), Labcorp
Classification: Benign for Primary open angle glaucoma; Glaucoma 1, open angle, E; Amyotrophic lateral sclerosis type 12. Last evaluated: 2026-02-02. Review status: criteria provided, single submitter. Criteria: Invitae Variant Classification Sherloc (09022015). Collection method: clinical testing. Allele origin: germline.

CeGaT Center for Human Genetics Tuebingen
Classification: Benign. Last evaluated: 2025-08-01. Review status: criteria provided, single submitter. Criteria: CeGaT Center For Human Genetics Tuebingen Variant Classification Criteria Version 2. Collection method: clinical testing. Allele origin: germline. Affected: yes. Observed: 2 variant alleles.
Comment: OPTN: BP4, BS1, BS2

Mayo Clinic Laboratories, Mayo Clinic
Classification: Benign. Last evaluated: 2024-02-16. Review status: criteria provided, single submitter. Criteria: ACMG Guidelines, 2015. Collection method: clinical testing. Allele origin: germline. Observed: 10 variant alleles.
Comment: BS1, BS2

Molecular Genetics, Royal Melbourne Hospital
Classification: Benign for Amyotrophic lateral sclerosis type 12. Last evaluated: 2023-11-05. Review status: criteria provided, single submitter. Criteria: ACMG Guidelines, 2015. Collection method: clinical testing. Allele origin: germline. Inheritance: Semidominant inheritance.

Mendelics
Classification: Benign for Primary open angle glaucoma. Last evaluated: 2023-08-22. Review status: criteria provided, single submitter. Criteria: Mendelics Assertion Criteria 2019. Collection method: clinical testing. Allele origin: germline.

GeneDx
Classification: Benign. Last evaluated: 2020-12-02. Review status: criteria provided, single submitter. Criteria: GeneDx Variant Classification Process June 2021. Collection method: clinical testing. Allele origin: germline. Affected: yes.
Comment: This variant is associated with the following publications: (PMID: 31198474, 31182772, 17293779, 26566915, 11834836, 19172505, 20981092, 25333069, 15226658, 12939304, 22995991, 19672125)

Athena Diagnostics
Classification: Benign. Last evaluated: 2019-10-31. Review status: criteria provided, single submitter. Criteria: Athena Diagnostics Criteria. Collection method: clinical testing. Allele origin: unknown.

Illumina Laboratory Services, Illumina
Classification: Likely benign for Amyotrophic lateral sclerosis type 12. Last evaluated: 2017-04-27. Review status: criteria provided, single submitter. Criteria: ICSL Variant Classification Criteria 13 December 2019. Collection method: clinical testing. Allele origin: germline.
Comment: This variant was observed as part of a predisposition screen in an ostensibly healthy population. A literature search was performed for the gene, cDNA change, and amino acid change (where applicable). Publications were found based on this search. The evidence from the literature, in combination with allele frequency data from public databases where available, was sufficient to determine this variant is unlikely to cause disease. Therefore, this variant is classified as likely benign.

Illumina Laboratory Services, Illumina
Classification: Likely benign for Primary open angle glaucoma. Last evaluated: 2017-04-27. Review status: criteria provided, single submitter. Criteria: ICSL Variant Classification Criteria 13 December 2019. Collection method: clinical testing. Allele origin: germline.
Comment: the same text as in the submission from Illumina Laboratory Services, Illumina above.

Soonchunhyang University Bucheon Hospital, Soonchunhyang University Medical Center
Classification: Uncertain significance for Primary open angle glaucoma. Last evaluated: 2016-03-18. Review status: criteria provided, single submitter. Criteria: ACMG Guidelines, 2015. Collection method: reference population. Allele origin: germline. Observed: 8 variant alleles.

PreventionGenetics, part of Exact Sciences
Classification: Benign for OPTN-related condition. Last evaluated: 2019-07-10. Review status: no assertion criteria provided. Collection method: clinical testing. Allele origin: germline. Not counted in ClinVar's aggregate classification.
Comment: This variant is classified as benign based on ACMG/AMP sequence variant interpretation guidelines (Richards et al. 2015 PMID: 25741868, with internal and published modifications).

OMIM
Classification: Pathogenic for GLAUCOMA 1, OPEN ANGLE, E. Last evaluated: 2002-02-08. Review status: no assertion criteria provided. Collection method: literature only. Allele origin: germline. Not counted in ClinVar's aggregate classification.

Literature cited by the submitters: PubMed 11834836 (cited by 4 submitters); PubMed 12939304 (cited by Athena Diagnostics and Illumina Laboratory Services, Illumina); PubMed 14597044 (cited by Athena Diagnostics); PubMed 15226658 (cited by Athena Diagnostics and Illumina Laboratory Services, Illumina); PubMed 15312511 (cited by Athena Diagnostics); PubMed 15326130 (cited by Athena Diagnostics); PubMed 15370540 (cited by Athena Diagnostics); PubMed 15547491 (cited by Athena Diagnostics); PubMed 15557444 (cited by Athena Diagnostics); PubMed 16148883 (cited by Athena Diagnostics); PubMed 16205626 (cited by Athena Diagnostics); PubMed 16885925 (cited by Athena Diagnostics); PubMed 17293779 (cited by Athena Diagnostics); PubMed 17359525 (cited by Athena Diagnostics); PubMed 17389490 (cited by Athena Diagnostics); PubMed 19145250 (cited by Athena Diagnostics and Illumina Laboratory Services, Illumina); PubMed 19172505 (cited by Athena Diagnostics and Illumina Laboratory Services, Illumina); PubMed 26566915 (cited by Athena Diagnostics and Illumina Laboratory Services, Illumina); PubMed 29411640 (cited by Athena Diagnostics); PubMed 31198474 (cited by Athena Diagnostics); PubMed 27485216 (cited by Athena Diagnostics); PubMed 21217154 (cited by Illumina Laboratory Services, Illumina); PubMed 23062601 (cited by Illumina Laboratory Services, Illumina); PubMed 21220178 (cited by Illumina Laboratory Services, Illumina); PubMed 22708870 (cited by Illumina Laboratory Services, Illumina); PubMed 22402017 (cited by Illumina Laboratory Services, Illumina); PubMed 22995991 (cited by Illumina Laboratory Services, Illumina); PubMed 25333069 (cited by Illumina Laboratory Services, Illumina); PubMed 20671613 (cited by Illumina Laboratory Services, Illumina); PubMed 20981092 (cited by Illumina Laboratory Services, Illumina); PubMed 19672125 (cited by Illumina Laboratory Services, Illumina).

NM_001008212.2(OPTN):c.1634G>A (p.Arg545Gln)

Gene: OPTN (optineurin; plus strand). Cytogenetic location: 10p13.
Variant type: single nucleotide variant.
Coding change: c.1634G>A on transcript NM_001008212.2 (MANE Select); coding-DNA position 1634, G replaced by A.
Protein change: p.Arg545Gln; replaces arginine 545 with glutamine.
Molecular consequence: missense variant.
Genome position (GRCh38, 1-based): chr10:13,136,766, G>A. VCF-style: chr10-13136766-G-A. GRCh37 (hg19) VCF-style: chr10-13178766-G-A.
Other names: p.Arg545Gln; c.1634G>A, p.Arg545Gln (NM_001008211.1, NM_001008213.1, NM_021980.4); short protein forms R545Q.
Identifiers: ClinVar variation 7098 (VCV000007098.35), dbSNP rs75654767, ClinGen allele CA118630.